The following is an entry in ClinVar:

ClinVar aggregate classification (germline): Uncertain significance (1 of 4 stars; one submission).

Conditions:
DICER1-related tumor predisposition. Also called: DICER1-related pleuropulmonary blastoma cancer predisposition syndrome; DICER1 syndrome. Identifiers: Orphanet 284343, MedGen C3839822, MONDO:0100216.

gnomAD v4.1: 1 of 1,614,024 alleles (0.000062%); highest among the groups gnomAD compares: Non-Finnish European, 0.000085%; no homozygotes.

Submission:

Labcorp Genetics (formerly Invitae), Labcorp
Classification: Uncertain significance for DICER1-related tumor predisposition. Last evaluated: 2025-02-25. Review status: criteria provided, single submitter. Criteria: Invitae Variant Classification Sherloc (09022015). Collection method: clinical testing. Allele origin: germline.
Comment: This sequence change replaces valine, which is neutral and non-polar, with leucine, which is neutral and non-polar, at codon 1370 of the DICER1 protein (p.Val1370Leu). This variant is not present in population databases (gnomAD no frequency). This variant has not been reported in the literature in individuals affected with DICER1-related conditions. Invitae Evidence Modeling of protein sequence and biophysical properties (such as structural, functional, and spatial information, amino acid conservation, physicochemical variation, residue mobility, and thermodynamic stability) indicates that this missense variant is not expected to disrupt DICER1 protein function with a negative predictive value of 95%. In summary, the available evidence is currently insufficient to determine the role of this variant in disease. Therefore, it has been classified as a Variant of Uncertain Significance.

NM_177438.3(DICER1):c.4108G>T (p.Val1370Leu)

Gene: DICER1 (dicer 1, ribonuclease III; minus strand). Cytogenetic location: 14q32.13.
Variant type: single nucleotide variant.
Coding change: c.4108G>T on transcript NM_177438.3 (MANE Select); coding-DNA position 4108, G replaced by T.
Protein change: p.Val1370Leu; replaces valine 1370 with leucine.
Molecular consequence: missense variant. On other transcripts: non-coding transcript variant (6).
Genome position (GRCh38, 1-based): chr14:95,099,878, C>A on the plus strand (G>T on the coding strand, the complement: DICER1 is on the minus strand). VCF-style: chr14-95099878-C-A. GRCh37 (hg19) VCF-style: chr14-95566215-C-A.
Other names: c.4108G>T, p.Val1370Leu (NM_001195573.1, NM_001271282.3, NM_001291628.2 and 12 more transcripts); c.3826G>T, p.Val1276Leu (NM_001395686.1); c.3703G>T, p.Val1235Leu (NM_001395687.1, NM_001395688.1, NM_001395689.1 and 2 more transcripts); c.3541G>T, p.Val1181Leu (NM_001395691.1); c.2425G>T, p.Val809Leu (NM_001395697.1); short protein forms V1370L, V1181L, V809L, V1235L, V1276L.
Identifiers: ClinVar variation 4780156 (VCV004780156.1).
Genomic context (GRCh38, chr14:95,099,878, plus strand): 5'-CTTGATTTACTACATAACCAGGAGGAAGCCAATTCACAGGGGGATCAAATATTGACACCA[C>A]CATGCGGCTGGGTAGTCCCTTCTTTTTTCCAAGGCGATACAGATTACAGTTGCTGACCTT-3'
Protein context (NP_803187.1, residues 1360-1380): GKKKGLPSRM[Val1370Leu]VSIFDPPVNW